The following is an entry in ClinVar:

ClinVar aggregate classification (germline): Pathogenic (1 of 4 stars; one submission).

Conditions:
Meckel syndrome, type 11 (MKS11). Identifiers: Orphanet 564, MedGen C3809352, MONDO:0014164, OMIM 615397.
Joubert syndrome 20 (JBTS20). Identifiers: Orphanet 475, MedGen C3554235, MONDO:0013994, OMIM 614970.

Submission:

Labcorp Genetics (formerly Invitae), Labcorp
Classification: Pathogenic for Joubert syndrome 20; Meckel syndrome, type 11. Last evaluated: 2024-10-07. Review status: criteria provided, single submitter. Criteria: Invitae Variant Classification Sherloc (09022015). Collection method: clinical testing. Allele origin: germline.
Comment: This sequence change creates a premature translational stop signal (p.Thr113Argfs*50) in the TMEM231 gene. It is expected to result in an absent or disrupted protein product. Loss-of-function variants in TMEM231 are known to be pathogenic (PMID: 23012439, 23349226). This variant is present in population databases (no rsID available, gnomAD 0.003%). This variant has not been reported in the literature in individuals affected with TMEM231-related conditions. For these reasons, this variant has been classified as Pathogenic.

Literature cited by the submitters: PubMed 23012439; PubMed 23349226.

NM_001077418.3(TMEM231):c.164_176dup (p.Thr60fs)

Gene: TMEM231 (transmembrane protein 231; minus strand). Cytogenetic location: 16q23.1.
Variant type: Duplication.
Coding change: c.164_176dup on transcript NM_001077418.3 (MANE Select); coding-DNA positions 164 to 176, 13 bases duplicated (ACGAGGAGCAGCC).
Protein change: p.Thr60fs; shifts the reading frame from threonine 60.
Molecular consequence: frameshift variant. On other transcripts: non-coding transcript variant (1).
Genome position (GRCh38, 1-based): chr16:75,555,937-75,555,949, GGCTGCTCCTCGT duplicated on the plus strand (ACGAGGAGCAGCC on the coding strand, the reverse complement: TMEM231 is on the minus strand). VCF-style (leftmost placement, unchanged base first): chr16-75555936-C-CGGCTGCTCCTCGT. GRCh37 (hg19) VCF-style: chr16-75589834-C-CGGCTGCTCCTCGT.
Other names: c.323_335dup, p.Thr113fs (NM_001077416.2); short protein forms T113fs, T60fs.
Identifiers: ClinVar variation 3749689 (VCV003749689.2).